The following is an entry in ClinVar:

NM_001035.3(RYR2):c.14057A>C (p.Lys4686Thr)

Gene: RYR2 (ryanodine receptor 2; plus strand). Cytogenetic location: 1q43.
Variant type: single nucleotide variant.
Coding change: c.14057A>C on transcript NM_001035.3 (MANE Select); coding-DNA position 14057, A replaced by C.
Protein change: p.Lys4686Thr; replaces lysine 4686 with threonine.
Molecular consequence: missense variant.
Genome position (GRCh38, 1-based): chr1:237,798,137, A>C. VCF-style: chr1-237798137-A-C. GRCh37 (hg19) VCF-style: chr1-237961437-A-C.
Other names: short protein forms K4686T.
Identifiers: ClinVar variation 1403918 (VCV001403918.9), dbSNP rs2149404469, ClinGen allele CA345419944.
Genomic context (GRCh38, chr1:237,798,137, plus strand): 5'-TCAGTGAATTACTTGGCATGGACAAGGCAGCTCTGGACTTCAGTGATGCCAGAGAAAAGA[A>C]GAAGCCAAAGAAAGACAGCTCCTTATCAGCTGTGTAAGTGTTACTTCGGCTCTATCCTAC-3'
Protein context (NP_001026.2, residues 4676-4696): ALDFSDAREK[Lys4686Thr]KPKKDSSLSA

ClinVar aggregate classification (germline): Uncertain significance (1 of 4 stars; one submission).

Conditions:
Catecholaminergic polymorphic ventricular tachycardia 1. Also called: VENTRICULAR TACHYCARDIA, STRESS-INDUCED POLYMORPHIC 1; VENTRICULAR TACHYCARDIA, CATECHOLAMINERGIC POLYMORPHIC, 1, WITH OR WITHOUT ATRIAL DYSFUNCTION AND/OR DILATED CARDIOMYOPATHY; RYR2-Related Catecholaminergic Polymorphic Ventricular Tachycardia. Identifiers: Orphanet 3286, MedGen C1631597, MONDO:0011484, OMIM 604772.

Submission:

Labcorp Genetics (formerly Invitae), Labcorp
Classification: Uncertain significance for Catecholaminergic polymorphic ventricular tachycardia 1. Last evaluated: 2022-10-17. Review status: criteria provided, single submitter. Criteria: Invitae Variant Classification Sherloc (09022015). Collection method: clinical testing. Allele origin: germline.
Comment: This sequence change replaces lysine, which is basic and polar, with threonine, which is neutral and polar, at codon 4686 of the RYR2 protein (p.Lys4686Thr). In summary, the available evidence is currently insufficient to determine the role of this variant in disease. Therefore, it has been classified as a Variant of Uncertain Significance. Advanced modeling of protein sequence and biophysical properties (such as structural, functional, and spatial information, amino acid conservation, physicochemical variation, residue mobility, and thermodynamic stability) performed at Invitae indicates that this missense variant is not expected to disrupt RYR2 protein function. ClinVar contains an entry for this variant (Variation ID: 1403918). This variant has not been reported in the literature in individuals affected with RYR2-related conditions. This variant is not present in population databases (gnomAD no frequency).